The following is an entry in ClinVar:

NM_014956.5(CEP164):c.347_348insT (p.Lys116fs)

Gene: CEP164 (centrosomal protein 164; plus strand). Cytogenetic location: 11q23.3.
Variant type: Insertion.
Coding change: c.347_348insT on transcript NM_014956.5 (MANE Select); coding-DNA positions 347 to 348, T inserted.
Protein change: p.Lys116fs; shifts the reading frame from lysine 116.
Molecular consequence: frameshift variant.
Genome position: GRCh38 VCF-style: chr11-117351942-A-AT. GRCh37 (hg19) VCF-style: chr11-117222658-A-AT.
Other names: c.347_348insT, p.Lys116fs (NM_001271933.2); short protein forms K116fs.
Identifiers: ClinVar variation 591346 (VCV000591346.4), dbSNP rs1565455033, ClinGen allele CA891862853.

ClinVar aggregate classification (germline): Pathogenic. Review status: criteria provided, single submitter (1 of 4 stars). 2 submissions from 2 submitters: Pathogenic (1). 1 of the submissions does not count toward it. Last evaluated 2023-01-31.

Conditions:
Nephronophthisis 15 (NPHP15). Identifiers: Orphanet 3156, MedGen C3541853, MONDO:0013917, OMIM 614845.

Allele frequency attached by ClinVar (database versions not stated): gnomAD exomes below 0.00001.

Submissions (2):

Labcorp Genetics (formerly Invitae), Labcorp
Classification: Pathogenic for Nephronophthisis 15. Last evaluated: 2023-01-31. Review status: criteria provided, single submitter. Criteria: Invitae Variant Classification Sherloc (09022015). Collection method: clinical testing. Allele origin: germline.
Comment: This variant is not present in population databases (gnomAD no frequency). For these reasons, this variant has been classified as Pathogenic. ClinVar contains an entry for this variant (Variation ID: 591346). This variant has not been reported in the literature in individuals affected with CEP164-related conditions. This sequence change creates a premature translational stop signal (p.Lys116Asnfs*89) in the CEP164 gene. It is expected to result in an absent or disrupted protein product. Loss-of-function variants in CEP164 are known to be pathogenic (PMID: 22863007, 28125082, 32367404, 34132027, 34499853).

Gharavi Laboratory, Columbia University
Classification: Uncertain significance. Last evaluated: 2018-09-16. Review status: no assertion criteria provided. Criteria: ACMG Guidelines, 2015. Collection method: research. Allele origin: germline. Affected: yes. Not counted in ClinVar's aggregate classification.

Literature cited by the submitters: PubMed 22863007 (cited by Labcorp Genetics (formerly Invitae), Labcorp); PubMed 28125082 (cited by Labcorp Genetics (formerly Invitae), Labcorp); PubMed 32367404 (cited by Labcorp Genetics (formerly Invitae), Labcorp); PubMed 34132027 (cited by Labcorp Genetics (formerly Invitae), Labcorp); PubMed 34499853 (cited by Labcorp Genetics (formerly Invitae), Labcorp).